The following is an entry in ClinVar:

ClinVar aggregate classification (germline): Uncertain significance (1 of 4 stars; one submission).

Conditions:
Baller-Gerold syndrome (BGS). Also called: CRANIOSYNOSTOSIS WITH RADIAL DEFECTS. Identifiers: Orphanet 1225, MedGen C0265308, MONDO:0009039, OMIM 218600.

gnomAD v4.1: 1 of 1,569,228 alleles (0.000064%); highest among the groups gnomAD compares: Non-Finnish European, 0.000086%; no homozygotes.

Submission:

Labcorp Genetics (formerly Invitae), Labcorp
Classification: Uncertain significance for Baller-Gerold syndrome. Last evaluated: 2023-05-03. Review status: criteria provided, single submitter. Criteria: Invitae Variant Classification Sherloc (09022015). Collection method: clinical testing. Allele origin: germline.
Comment: In summary, the available evidence is currently insufficient to determine the role of this variant in disease. Therefore, it has been classified as a Variant of Uncertain Significance. Advanced modeling of protein sequence and biophysical properties (such as structural, functional, and spatial information, amino acid conservation, physicochemical variation, residue mobility, and thermodynamic stability) performed at Invitae indicates that this missense variant is not expected to disrupt RECQL4 protein function. This variant has not been reported in the literature in individuals affected with RECQL4-related conditions. This variant is not present in population databases (gnomAD no frequency). This sequence change replaces cysteine, which is neutral and slightly polar, with glycine, which is neutral and non-polar, at codon 857 of the RECQL4 protein (p.Cys857Gly).

NM_004260.4(RECQL4):c.2569T>G (p.Cys857Gly)

Gene: RECQL4 (RecQ like helicase 4; minus strand). Cytogenetic location: 8q24.3.
Variant type: single nucleotide variant.
Coding change: c.2569T>G on transcript NM_004260.4 (MANE Select); coding-DNA position 2569, T replaced by G.
Protein change: p.Cys857Gly; replaces cysteine 857 with glycine.
Molecular consequence: missense variant. On other transcripts: non-coding transcript variant (3).
Genome position (GRCh38, 1-based): chr8:144,513,033, A>C on the plus strand (T>G on the coding strand, the complement: RECQL4 is on the minus strand). VCF-style: chr8-144513033-A-C. GRCh37 (hg19) VCF-style: chr8-145738416-A-C.
Other names: c.1300T>G, p.Cys434Gly (NM_001413031.1, NM_001413038.1); c.1432T>G, p.Cys478Gly (NM_001413032.1, NM_001413027.1, NM_001413030.1 and 1 more transcripts); c.2437T>G, p.Cys813Gly (NM_001413033.1); c.1498T>G, p.Cys500Gly (NM_001413034.1, NM_001413035.1, NM_001413040.1 and 5 more transcripts); c.2569T>G, p.Cys857Gly (NM_001413036.1, NM_001413019.1); c.1366T>G, p.Cys456Gly (NM_001413037.1); c.2539T>G, p.Cys847Gly (NM_001413039.1); c.2275T>G, p.Cys759Gly (NM_001413017.1); and 6 more; short protein forms C368G, C500G, C791G, C825G, C490G, C813G, C814G, C847G.
Identifiers: ClinVar variation 2968136 (VCV002968136.3), dbSNP rs1827549310, ClinGen allele CA372677031.